The following is an entry in ClinVar:

ClinVar aggregate classification (germline): Uncertain significance. Review status: criteria provided, multiple submitters, no conflicts (2 of 4 stars). 3 submissions from 3 submitters: Uncertain significance (3). Last evaluated 2024-08-17.

Conditions:
Colorectal cancer, susceptibility to, 1. Also called: COLORECTAL ADENOMA AND CANCER, SUSCEPTIBILITY TO; COLORECTAL CANCER, SUSCEPTIBILITY TO, ON CHROMOSOME 9. Identifiers: MedGen C1837315, MONDO:0012132, OMIM 608812.

Allele frequency attached by ClinVar (database versions not stated): gnomAD exomes below 0.00001; ExAC 0.00001; gnomAD 0.00001; TOPMed 0.00002.
gnomAD v4.1: 8 of 1,613,952 alleles (0.0005%); highest among the groups gnomAD compares: Non-Finnish European, 0.00059%; no homozygotes.

Submissions (3):

Ambry Genetics
Classification: Uncertain significance. Last evaluated: 2024-08-17. Review status: criteria provided, single submitter. Criteria: Ambry Variant Classification Scheme 2023. Collection method: clinical testing. Allele origin: germline.
Comment: The p.H437Y variant (also known as c.1309C>T), located in coding exon 7 of the GALNT12 gene, results from a C to T substitution at nucleotide position 1309. The histidine at codon 437 is replaced by tyrosine, an amino acid with similar properties. This amino acid position is well conserved in available vertebrate species. In addition, this alteration is predicted to be tolerated by in silico analysis. The evidence for this gene-disease relationship is limited; therefore, the clinical significance of this alteration is unclear.

Labcorp Genetics (formerly Invitae), Labcorp
Classification: Uncertain significance. Last evaluated: 2024-05-08. Review status: criteria provided, single submitter. Criteria: Invitae Variant Classification Sherloc (09022015). Collection method: clinical testing. Allele origin: germline.
Comment: This sequence change replaces histidine, which is basic and polar, with tyrosine, which is neutral and polar, at codon 437 of the GALNT12 protein (p.His437Tyr). This variant is present in population databases (rs748116010, gnomAD 0.004%). This variant has not been reported in the literature in individuals affected with GALNT12-related conditions. ClinVar contains an entry for this variant (Variation ID: 1769596). Advanced modeling of protein sequence and biophysical properties (such as structural, functional, and spatial information, amino acid conservation, physicochemical variation, residue mobility, and thermodynamic stability) performed at Invitae indicates that this missense variant is not expected to disrupt GALNT12 protein function with a negative predictive value of 80%. In summary, the available evidence is currently insufficient to determine the role of this variant in disease. Therefore, it has been classified as a Variant of Uncertain Significance.

Baylor Genetics
Classification: Uncertain significance for Colorectal cancer, susceptibility to, 1. Last evaluated: 2023-08-26. Review status: criteria provided, single submitter. Criteria: ACMG Guidelines, 2015. Collection method: clinical testing. Allele origin: unknown.

NM_024642.5(GALNT12):c.1309C>T (p.His437Tyr)

Gene: GALNT12 (polypeptide N-acetylgalactosaminyltransferase 12; plus strand). Cytogenetic location: 9q22.33.
Variant type: single nucleotide variant.
Coding change: c.1309C>T on transcript NM_024642.5 (MANE Select); coding-DNA position 1309, C replaced by T.
Protein change: p.His437Tyr; replaces histidine 437 with tyrosine.
Molecular consequence: missense variant.
Genome position (GRCh38, 1-based): chr9:98,840,098, C>T. VCF-style: chr9-98840098-C-T. GRCh37 (hg19) VCF-style: chr9-101602380-C-T.
Other names: short protein forms H437Y.
Identifiers: ClinVar variation 1769596 (VCV001769596.9), dbSNP rs748116010, ClinGen allele CA5154226.